The following is an entry in ClinVar:

NM_014679.5(CEP57):c.752C>T (p.Pro251Leu)

Gene: CEP57 (centrosomal protein 57; plus strand). Cytogenetic location: 11q21.
Variant type: single nucleotide variant.
Coding change: c.752C>T on transcript NM_014679.5 (MANE Select); coding-DNA position 752, C replaced by T.
Protein change: p.Pro251Leu; replaces proline 251 with leucine.
Molecular consequence: missense variant.
Genome position (GRCh38, 1-based): chr11:95,821,923, C>T. VCF-style: chr11-95821923-C-T. GRCh37 (hg19) VCF-style: chr11-95555087-C-T.
Other names: c.752C>T (NM_014679.4); c.725C>T, p.Pro242Leu (NM_001243776.2); c.752C>T, p.Pro251Leu (NM_001243777.2); c.671C>T, p.Pro224Leu (NM_001363604.2); short protein forms P224L, P242L, P251L.
Identifiers: ClinVar variation 1025718 (VCV001025718.9), dbSNP rs779531903, ClinGen allele CA6239586.

ClinVar aggregate classification (germline): Uncertain significance. Review status: criteria provided, multiple submitters, no conflicts (2 of 4 stars). 2 submissions from 2 submitters: Uncertain significance (2). Last evaluated 2025-04-14.

Conditions:
Mosaic variegated aneuploidy syndrome 2 (MVA2). Identifiers: Orphanet 1052, MedGen C3279843, MONDO:0013582, OMIM 614114.
Inborn genetic diseases. Identifiers: MedGen C0950123, MeSH D030342.

Allele frequency attached by ClinVar (database versions not stated): TOPMed 0.00001; gnomAD 0.00002; gnomAD exomes 0.00002 and 0.00003; ExAC 0.00005.

Submissions (2):

Labcorp Genetics (formerly Invitae), Labcorp
Classification: Uncertain significance for Mosaic variegated aneuploidy syndrome 2. Last evaluated: 2025-04-14. Review status: criteria provided, single submitter. Criteria: Invitae Variant Classification Sherloc (09022015). Collection method: clinical testing. Allele origin: germline.
Comment: This sequence change replaces proline, which is neutral and non-polar, with leucine, which is neutral and non-polar, at codon 251 of the CEP57 protein (p.Pro251Leu). This variant is present in population databases (rs779531903, gnomAD 0.01%). This variant has not been reported in the literature in individuals affected with CEP57-related conditions. ClinVar contains an entry for this variant (Variation ID: 1025718). Invitae Evidence Modeling of protein sequence and biophysical properties (such as structural, functional, and spatial information, amino acid conservation, physicochemical variation, residue mobility, and thermodynamic stability) indicates that this missense variant is not expected to disrupt CEP57 protein function with a negative predictive value of 80%. In summary, the available evidence is currently insufficient to determine the role of this variant in disease. Therefore, it has been classified as a Variant of Uncertain Significance.

Ambry Genetics
Classification: Uncertain significance for Inborn genetic diseases. Last evaluated: 2025-01-05. Review status: criteria provided, single submitter. Criteria: Ambry Variant Classification Scheme 2023. Collection method: clinical testing. Allele origin: germline.
Comment: The p.P251L variant (also known as c.752C>T), located in coding exon 7 of the CEP57 gene, results from a C to T substitution at nucleotide position 752. The proline at codon 251 is replaced by leucine, an amino acid with similar properties. This amino acid position is conserved. In addition, this alteration is predicted to be tolerated by in silico analysis. Based on the available evidence, the clinical significance of this variant remains unclear.